The following is an entry in ClinVar:

NM_024422.6(DSC2):c.1888+3A>G

Gene: DSC2 (desmocollin 2; minus strand). Cytogenetic location: 18q12.1.
Variant type: single nucleotide variant.
Coding change: c.1888+3A>G on transcript NM_024422.6 (MANE Select); 3 bases into the intron after coding-DNA position 1888, A replaced by G.
Molecular consequence: intron variant.
Genome position (GRCh38, 1-based): chr18:31,074,680, T>C on the plus strand (A>G on the coding strand, the complement: DSC2 is on the minus strand). VCF-style: chr18-31074680-T-C. GRCh37 (hg19) VCF-style: chr18-28654646-T-C.
Other names: c.1888+3A>G (NM_004949.5); c.1459+3A>G (NM_001406506.1, NM_001406507.1).
Identifiers: ClinVar variation 3648885 (VCV003648885.2).
Genomic context (GRCh38, chr18:31,074,680, plus strand): 5'-AAAAAAAAGTATCGCAGACATCCTGATGTTGAAAAGGACAAAGCAATTTTCAAAAATATA[T>C]ACCATTAATTGCTTTCAGTCTCCACATTCTCTGTACTTCTGAAGTAGAACTCTCCAGACT-3'

ClinVar aggregate classification (germline): Uncertain significance (1 of 4 stars; one submission).

Conditions:
Arrhythmogenic right ventricular dysplasia 11. Also called: ARRHYTHMOGENIC RIGHT VENTRICULAR DYSPLASIA, FAMILIAL, 11; Arrhythmogenic Right Ventricular Dysplasia/Cardiomyopathy11; Arrhythmogenic right ventricular dysplasia 11 with mild palmoplantar keratoderma and woolly hair. Identifiers: MedGen C1864850, MONDO:0012506, OMIM 610476.

Submission:

Labcorp Genetics (formerly Invitae), Labcorp
Classification: Uncertain significance for Arrhythmogenic right ventricular dysplasia 11. Last evaluated: 2024-08-18. Review status: criteria provided, single submitter. Criteria: Invitae Variant Classification Sherloc (09022015). Collection method: clinical testing. Allele origin: germline.
Comment: This sequence change falls in intron 12 of the DSC2 gene. It does not directly change the encoded amino acid sequence of the DSC2 protein. It affects a nucleotide within the consensus splice site. This variant is not present in population databases (gnomAD no frequency). This variant has not been reported in the literature in individuals affected with DSC2-related conditions. Variants that disrupt the consensus splice site are a relatively common cause of aberrant splicing (PMID: 17576681, 9536098). Algorithms developed to predict the effect of sequence changes on RNA splicing suggest that this variant may disrupt the consensus splice site. In summary, the available evidence is currently insufficient to determine the role of this variant in disease. Therefore, it has been classified as a Variant of Uncertain Significance.

Literature cited by the submitters: PubMed 17576681; PubMed 9536098.